The following is an entry in ClinVar:

ClinVar aggregate classification (germline): Pathogenic. Review status: reviewed by expert panel (3 of 4 stars). 5 submissions from 5 submitters: Pathogenic (1). 4 of the submissions do not count toward it. Last evaluated 2016-09-08.

Conditions:
Hereditary cancer-predisposing syndrome. Also called: Tumor predisposition; Hereditary neoplastic syndrome; Hereditary Cancer Syndrome; Neoplastic Syndromes, Hereditary. Identifiers: Orphanet 140162, MedGen C0027672, MeSH D009386, MONDO:0015356.
Hereditary breast ovarian cancer syndrome. Also called: Hereditary breast and/or ovarian cancer syndrome; Breast and ovarian cancer; Hereditary breast and ovarian cancer syndrome; Hereditary breast and ovarian cancer; Hereditary breast and ovarian cancer syndrome (HBOC); BRCA1- and BRCA2-Associated Hereditary Breast and Ovarian Cancer. Identifiers: Orphanet 145, MedGen C0677776, MeSH D061325, MONDO:0003582. Disease mechanism: loss of function.
Breast-ovarian cancer, familial, susceptibility to, 1 (BROVCA1). Also called: BRCA1 Hereditary Breast and Ovarian Cancer; OVARIAN CANCER, SUSCEPTIBILITY TO. Identifiers: Orphanet 145, MedGen C2676676, MONDO:0011450, OMIM 604370. Disease mechanism: loss of function.

Submissions (5):

Evidence-based Network for the Interpretation of Germline Mutant Alleles (ENIGMA)
Classification: Pathogenic for Breast-ovarian cancer, familial, susceptibility to, 1. Last evaluated: 2016-09-08. Review status: reviewed by expert panel. Criteria: ENIGMA BRCA1/2 Classification Criteria (2015). Collection method: curation. Allele origin: germline.
Comment: Variant allele predicted to encode a truncated non-functional protein.

Ambry Genetics
Classification: Pathogenic for Hereditary cancer-predisposing syndrome. Last evaluated: 2024-01-23. Review status: criteria provided, single submitter. Criteria: Ambry Variant Classification Scheme 2023. Collection method: clinical testing. Allele origin: germline. Not counted in ClinVar's aggregate classification.
Comment: The c.3357delT pathogenic mutation, located in coding exon 9 of the BRCA1 gene, results from a deletion of one nucleotide at nucleotide position 3357, causing a translational frameshift with a predicted alternate stop codon (p.V1120Lfs*9). This variant is considered to be rare based on population cohorts in the Genome Aggregation Database (gnomAD). This alteration is expected to result in loss of function by premature protein truncation or nonsense-mediated mRNA decay. As such, this alteration is interpreted as a disease-causing mutation.

Labcorp Genetics (formerly Invitae), Labcorp
Classification: Pathogenic for Hereditary breast ovarian cancer syndrome. Last evaluated: 2020-05-13. Review status: criteria provided, single submitter. Criteria: Invitae Variant Classification Sherloc (09022015). Collection method: clinical testing. Allele origin: germline. Not counted in ClinVar's aggregate classification.
Comment: For these reasons, this variant has been classified as Pathogenic. Loss-of-function variants in BRCA1 are known to be pathogenic (PMID: 20104584). This variant has been observed in individual(s) with a personal and/or family history of breast and/or ovarian cancer (PMID: 22762150). This variant is also known as c.3476delT in the literature. ClinVar contains an entry for this variant (Variation ID: 125631). This variant is not present in population databases (ExAC no frequency). This sequence change creates a premature translational stop signal (p.Val1120Leufs*9) in the BRCA1 gene. It is expected to result in an absent or disrupted protein product.

Consortium of Investigators of Modifiers of BRCA1/2 (CIMBA), c/o University of Cambridge
Classification: Pathogenic for Breast-ovarian cancer, familial, susceptibility to, 1. Last evaluated: 2015-10-02. Review status: criteria provided, single submitter. Criteria: CIMBA Mutation Classification guidelines May 2016. Collection method: clinical testing. Allele origin: germline. Not counted in ClinVar's aggregate classification.

Breast Cancer Information Core (BIC) (BRCA1)
Classification: Pathogenic for Breast-ovarian cancer, familial 1. Last evaluated: 1997-04-10. Review status: no assertion criteria provided. Collection method: clinical testing. Allele origin: germline. Affected: yes. Observed: 1 variant allele. Not counted in ClinVar's aggregate classification.

Literature cited by the submitters: PubMed 20104584 (cited by Labcorp Genetics (formerly Invitae), Labcorp); PubMed 22762150 (cited by Labcorp Genetics (formerly Invitae), Labcorp).

NM_007294.4(BRCA1):c.3357del (p.Val1120fs)

Genes: BRCA1 (BRCA1 DNA repair associated; minus strand), LOC126862571 (BRD4-independent group 4 enhancer GRCh37_chr17:41243136-41244335; plus strand). Cytogenetic location: 17q21.31.
Variant type: Deletion.
Coding change: c.3357del on transcript NM_007294.4 (MANE Select); coding-DNA position 3357, one base deleted (T; older notation c.3357delT).
Protein change: p.Val1120fs; shifts the reading frame from valine 1120.
Molecular consequence: frameshift variant. On other transcripts: intron variant (137).
Genome position (GRCh38, 1-based): chr17:43,092,174, A deleted on the plus strand (T on the coding strand, the reverse complement: BRCA1 is on the minus strand). VCF-style (leftmost placement, unchanged base first): chr17-43092173-CA-C. GRCh37 (hg19) VCF-style: chr17-41244190-CA-C.
Other names: 3476delT; c.3144del, p.Val1049fs (NM_001407571.1, NM_001407853.1, NM_001407894.1 and 9 more transcripts); c.3357del, p.Val1120fs (NM_001407581.1, NM_001407582.1, NM_001407583.1 and 30 more transcripts); c.3354del, p.Val1119fs (NM_001407587.1, NM_001407590.1, NM_001407591.1 and 22 more transcripts); c.3348del, p.Val1117fs (NM_001407646.1, NM_001407647.1); c.3234del, p.Val1079fs (NM_001407648.1, NM_001407664.1, NM_001407665.1 and 19 more transcripts); c.3231del, p.Val1078fs (NM_001407649.1, NM_001407670.1, NM_001407671.1 and 11 more transcripts); c.3279del, p.Val1094fs (NM_001407653.1, NM_001407654.1, NM_001407655.1 and 4 more transcripts); and 42 more; short protein forms V1120fs, V1073fs, V1009fs, V1032fs, V1093fs, V1119fs, V992fs, V1053fs.
Identifiers: ClinVar variation 125631 (VCV000125631.15), dbSNP rs80357827, ClinGen allele CA002177.